The following is an entry in ClinVar:

NM_001364905.1(LRBA):c.7483C>T (p.Gln2495Ter)

Gene: LRBA (LPS responsive beige-like anchor protein; minus strand). Cytogenetic location: 4q31.3.
Variant type: single nucleotide variant.
Coding change: c.7483C>T on transcript NM_001364905.1 (MANE Select); coding-DNA position 7483, C replaced by T.
Protein change: p.Gln2495Ter; replaces glutamine 2495 with a stop codon.
Molecular consequence: nonsense.
Genome position (GRCh38, 1-based): chr4:150,321,338, G>A on the plus strand (C>T on the coding strand, the complement: LRBA is on the minus strand). VCF-style: chr4-150321338-G-A. GRCh37 (hg19) VCF-style: chr4-151242490-G-A.
Other names: c.7483C>T, p.Gln2495Ter (NM_001199282.3); c.7498C>T, p.Gln2500Ter (NM_001367550.1); c.7516C>T, p.Gln2506Ter (NM_006726.5); short protein forms Q2506*, Q2495*, Q2500*.
Identifiers: ClinVar variation 3720594 (VCV003720594.2).

ClinVar aggregate classification (germline): Pathogenic (1 of 4 stars; one submission).

Conditions:
Combined immunodeficiency due to LRBA deficiency. Also called: Common variable immunodeficiency 8, with autoimmunity. Identifiers: Orphanet 445018, MedGen C3553512, MONDO:0013863, OMIM 614700.

gnomAD v4.1: 5 of 1,604,058 alleles (0.00031%); highest among the groups gnomAD compares: Non-Finnish European, 0.00042%; no homozygotes.

Submission:

Labcorp Genetics (formerly Invitae), Labcorp
Classification: Pathogenic for Combined immunodeficiency due to LRBA deficiency. Last evaluated: 2024-11-04. Review status: criteria provided, single submitter. Criteria: Invitae Variant Classification Sherloc (09022015). Collection method: clinical testing. Allele origin: germline.
Comment: This sequence change creates a premature translational stop signal (p.Gln2506*) in the LRBA gene. It is expected to result in an absent or disrupted protein product. Loss-of-function variants in LRBA are known to be pathogenic (PMID: 26206937, 26768763). This variant is present in population databases (no rsID available, gnomAD 0.0009%). This premature translational stop signal has been observed in individual(s) with LRBA deficiency (PMID: 26206937). Algorithms developed to predict the effect of sequence changes on RNA splicing suggest that this variant may disrupt the consensus splice site. For these reasons, this variant has been classified as Pathogenic.

Literature cited by the submitters: PubMed 26206937; PubMed 26768763.